The following is an entry in ClinVar:

ClinVar aggregate classification (germline): Uncertain significance (1 of 4 stars; one submission).

Conditions:
Nance-Horan syndrome (NHS). Identifiers: Orphanet 627, MedGen C0796085, MONDO:0010545, OMIM 302350.

gnomAD v4.1: 1 of 1,211,906 alleles (0.000083%); no homozygotes.

Submission:

Labcorp Genetics (formerly Invitae), Labcorp
Classification: Uncertain significance for Nance-Horan syndrome. Last evaluated: 2024-03-18. Review status: criteria provided, single submitter. Criteria: Invitae Variant Classification Sherloc (09022015). Collection method: clinical testing. Allele origin: germline.
Comment: This sequence change replaces asparagine, which is neutral and polar, with aspartic acid, which is acidic and polar, at codon 703 of the NHS protein (p.Asn703Asp). This variant is present in population databases (no rsID available, gnomAD 0.004%). This variant has not been reported in the literature in individuals affected with NHS-related conditions. Advanced modeling of protein sequence and biophysical properties (such as structural, functional, and spatial information, amino acid conservation, physicochemical variation, residue mobility, and thermodynamic stability) performed at Invitae indicates that this missense variant is not expected to disrupt NHS protein function with a negative predictive value of 80%. In summary, the available evidence is currently insufficient to determine the role of this variant in disease. Therefore, it has been classified as a Variant of Uncertain Significance.

NM_001291867.2(NHS):c.2170A>G (p.Asn724Asp)

Gene: NHS (NHS actin remodeling regulator; plus strand). Cytogenetic location: Xp22.13.
Variant type: single nucleotide variant.
Coding change: c.2170A>G on transcript NM_001291867.2 (MANE Select); coding-DNA position 2170, A replaced by G.
Protein change: p.Asn724Asp; replaces asparagine 724 with aspartic acid.
Molecular consequence: missense variant.
Genome position (GRCh38, 1-based): chrX:17,726,276, A>G. VCF-style: chrX-17726276-A-G. GRCh37 (hg19) VCF-style: chrX-17744396-A-G.
Other names: c.1639A>G, p.Asn547Asp (NM_001136024.4); c.1576A>G, p.Asn526Asp (NM_001291868.2); c.2107A>G, p.Asn703Asp (NM_198270.4); short protein forms N703D, N547D, N724D, N526D.
Identifiers: ClinVar variation 3646548 (VCV003646548.2).
Genomic context (GRCh38, chrX:17,726,276, plus strand): 5'-TCCACTGTTGCAGACCTGCTGGATGATCCCAACAACAGCAACACAAGTGACAGTGAGTGG[A>G]ATTACCTACACCACCACCATGATGCCTCCTGCCGCCAGGATTTTAGTCCTGAGCGTCCCA-3'
Protein context (NP_001278796.1, residues 714-734): NNSNTSDSEW[Asn724Asp]YLHHHHDASC